The following is an entry in ClinVar:

ClinVar aggregate classification (germline): Pathogenic. Review status: criteria provided, multiple submitters, no conflicts (2 of 4 stars). 3 submissions from 3 submitters: Pathogenic (3). Last evaluated 2023-04-27.

Conditions:
Hereditary cancer-predisposing syndrome. Also called: Neoplastic Syndromes, Hereditary; Tumor predisposition; Hereditary neoplastic syndrome; Hereditary Cancer Syndrome. Identifiers: Orphanet 140162, MedGen C0027672, MeSH D009386, MONDO:0015356.
Familial adenomatous polyposis 1 (FAP1). Also called: FAMILIAL ADENOMATOUS POLYPOSIS 1, ATTENUATED; POLYPOSIS, ADENOMATOUS INTESTINAL. Identifiers: MedGen C2713442, MONDO:0021056, OMIM 175100. Disease mechanism: loss of function.

Submissions (3):

Myriad Genetics, Inc.
Classification: Pathogenic for Familial adenomatous polyposis 1. Last evaluated: 2023-04-27. Review status: criteria provided, single submitter. Criteria: Myriad Autosomal Dominant, Autosomal Recessive and X-Linked Classification Criteria (2023). Collection method: clinical testing. Allele origin: unknown.
Comment: This variant is considered pathogenic. This variant creates a termination codon and is predicted to result in premature protein truncation.

Ambry Genetics
Classification: Pathogenic for Hereditary cancer-predisposing syndrome. Last evaluated: 2023-03-30. Review status: criteria provided, single submitter. Criteria: Ambry Variant Classification Scheme 2023. Collection method: clinical testing. Allele origin: germline.
Comment: The p.Q238* pathogenic mutation (also known as c.712C>T), located in coding exon 6 of the APC gene, results from a C to T substitution at nucleotide position 712. This changes the amino acid from a glutamine to a stop codon within coding exon 6. This variant was identified in 1/863 colonic polyposis patients from a French cohort (Lagarde A et al. J Med Genet, 2010 Oct;47:721-2). This variant is considered to be rare based on population cohorts in the Genome Aggregation Database (gnomAD). In addition to the clinical data presented in the literature, this alteration is expected to result in loss of function by premature protein truncation or nonsense-mediated mRNA decay. As such, this alteration is interpreted as a disease-causing mutation.

Labcorp Genetics (formerly Invitae), Labcorp
Classification: Pathogenic for Familial adenomatous polyposis 1. Last evaluated: 2018-08-14. Review status: criteria provided, single submitter. Criteria: Invitae Variant Classification Sherloc (09022015). Collection method: clinical testing. Allele origin: germline.
Comment: For these reasons, this variant has been classified as Pathogenic. Loss-of-function variants in APC are known to be pathogenic (PMID: 17963004, 20685668). This sequence change creates a premature translational stop signal (p.Gln238*) in the APC gene. It is expected to result in an absent or disrupted protein product. This variant is not present in population databases (ExAC no frequency). This variant has been observed in an individual affected with familial adenomatous polyposis (PMID: 20685668).

Literature cited by the submitters: PubMed 20685668 (cited by Ambry Genetics and Labcorp Genetics (formerly Invitae), Labcorp); PubMed 17963004 (cited by Labcorp Genetics (formerly Invitae), Labcorp).

NM_000038.6(APC):c.712C>T (p.Gln238Ter)

Gene: APC (APC regulator of Wnt signaling pathway; plus strand). Cytogenetic location: 5q22.2.
Variant type: single nucleotide variant.
Coding change: c.712C>T on transcript NM_000038.6 (MANE Select); coding-DNA position 712, C replaced by T.
Protein change: p.Gln238Ter; replaces glutamine 238 with a stop codon.
Molecular consequence: nonsense. On other transcripts: 5 prime UTR variant (1), intron variant (2).
Genome position (GRCh38, 1-based): chr5:112,792,512, C>T. VCF-style: chr5-112792512-C-T. GRCh37 (hg19) VCF-style: chr5-112128209-C-T.
Other names: c.712C>T, p.Gln238Ter (NM_001127510.3, NM_001354895.2, NM_001354896.2 and 1 more transcripts); c.742C>T, p.Gln248Ter (NM_001354897.2, NM_001354902.2); c.637C>T, p.Gln213Ter (NM_001354898.2, NM_001354904.2); c.535C>T, p.Gln179Ter (NM_001354900.2, NM_001354901.2, NM_001354905.2); c.-324C>T (NM_001354906.2); c.676-8767C>T (NM_001127511.3); c.646-8767C>T (NM_001354899.2); short protein forms Q179*, Q213*, Q238*, Q248*.
Identifiers: ClinVar variation 642931 (VCV000642931.13), dbSNP rs1580424314, ClinGen allele CA16022890.